The following is an entry in ClinVar:

NM_177438.3(DICER1):c.2808T>C (p.Tyr936=)

Gene: DICER1 (dicer 1, ribonuclease III; minus strand). Cytogenetic location: 14q32.13.
Variant type: single nucleotide variant.
Coding change: c.2808T>C on transcript NM_177438.3 (MANE Select); coding-DNA position 2808, T replaced by C.
Protein change: p.Tyr936=; no amino-acid change (tyrosine 936 retained).
Molecular consequence: synonymous variant.
Genome position (GRCh38, 1-based): chr14:95,106,220, A>G on the plus strand (T>C on the coding strand, the complement: DICER1 is on the minus strand). VCF-style: chr14-95106220-A-G. GRCh37 (hg19) VCF-style: chr14-95572557-A-G.
Other names: NM_177438.2(DICER1):c.2808T>C; p.Tyr936=; c.2808T>C, p.Tyr936= (NM_001195573.1, NM_001271282.3, NM_001291628.2 and 1 more transcripts).
Identifiers: ClinVar variation 751425 (VCV000751425.19), dbSNP rs768555883, ClinGen allele CA7331161.

ClinVar aggregate classification (germline): Likely benign. Review status: reviewed by expert panel (3 of 4 stars). 4 submissions from 4 submitters: Likely benign (1). 3 of the submissions do not count toward it. Last evaluated 2022-05-18.

Conditions:
Hereditary cancer-predisposing syndrome. Also called: Tumor predisposition; Hereditary Cancer Syndrome; Neoplastic Syndromes, Hereditary; Hereditary neoplastic syndrome. Identifiers: Orphanet 140162, MedGen C0027672, MeSH D009386, MONDO:0015356.
DICER1-related tumor predisposition. Also called: DICER1-related pleuropulmonary blastoma cancer predisposition syndrome; DICER1 syndrome. Identifiers: Orphanet 284343, MedGen C3839822, MONDO:0100216.

Allele frequency attached by ClinVar (database versions not stated): gnomAD exomes below 0.00001; TOPMed below 0.00001; ExAC 0.00001.

Submissions (4):

ClinGen DICER1 and miRNA-Processing Gene Variant Curation Expert Panel, ClinGen
Classification: Likely benign for DICER1-related tumor predisposition. Last evaluated: 2022-05-18. Review status: reviewed by expert panel. Criteria: ClinGen DICER1 ACMG Specifications DICER1 v1. Collection method: curation. Allele origin: germline. Inheritance: Autosomal dominant inheritance.
Comment: The NM_177438.2:c.2808T>C (p.Tyr936=) variant is a synonymous (silent) variant that is not predicted by MaxEntScan or SpliceAI to impact splicing (BP4, BP7). The highest population minor allele frequency in gnomAD v2.1.1 (non-cancer) is 0.00002921 (1/34234 alleles) in the Latino/Admixed American population (PM2_Supporting, BS1, and BA1 are not met). In summary, this variant meets the criteria to be classified as Likely Benign for DICER1 syndrome based on the ACMG/AMP criteria applied, as specified by the ClinGen DICER1 VCEP: BP4, BP7. (Bayesian Points: -4; VCEP specifications version 1; 02/11/22)

Myriad Genetics, Inc.
Classification: Benign for DICER1-related tumor predisposition. Last evaluated: 2026-08-18. Review status: criteria provided, single submitter. Criteria: Myriad Autosomal Dominant, Autosomal Recessive and X-Linked Classification Criteria (2023). Collection method: clinical testing. Allele origin: unknown. Not counted in ClinVar's aggregate classification.
Comment: This variant is considered benign. This variant is a silent/synonymous amino acid change and it is not expected to impact splicing.

Labcorp Genetics (formerly Invitae), Labcorp
Classification: Likely benign for DICER1-related tumor predisposition. Last evaluated: 2025-03-07. Review status: criteria provided, single submitter. Criteria: Invitae Variant Classification Sherloc (09022015). Collection method: clinical testing. Allele origin: germline. Not counted in ClinVar's aggregate classification.

Ambry Genetics
Classification: Likely benign for Hereditary cancer-predisposing syndrome. Last evaluated: 2019-01-14. Review status: criteria provided, single submitter. Criteria: Ambry Variant Classification Scheme 2023. Collection method: clinical testing. Allele origin: germline. Not counted in ClinVar's aggregate classification.